The following is an entry in ClinVar:

ClinVar aggregate classification (germline): Pathogenic (1 of 4 stars; one submission).

Conditions:
Arrhythmogenic cardiomyopathy with wooly hair and keratoderma. Also called: PALMOPLANTAR KERATODERMA WITH LEFT VENTRICULAR CARDIOMYOPATHY AND WOOLLY HAIR; Carvajal syndrome; Dilated cardiomyopathy with woolly hair and keratoderma; Arrhythmogenic cardiomyopathy with woolly hair and keratoderma. Identifiers: Orphanet 65282, MedGen C1854063, MONDO:0011581, OMIM 605676.
Arrhythmogenic right ventricular dysplasia 8 (ARVD8). Also called: ARRHYTHMOGENIC RIGHT VENTRICULAR DYSPLASIA, FAMILIAL, 8; Arrhythmogenic Right Ventricular Dysplasia/Cardiomyopathy 8; ARRHYTHMOGENIC RIGHT VENTRICULAR CARDIOMYOPATHY 8. Identifiers: MedGen C1843896, MONDO:0011831, OMIM 607450.

Submission:

Labcorp Genetics (formerly Invitae), Labcorp
Classification: Pathogenic for Arrhythmogenic cardiomyopathy with wooly hair and keratoderma; Arrhythmogenic right ventricular dysplasia 8. Last evaluated: 2025-12-16. Review status: criteria provided, single submitter. Criteria: Invitae Variant Classification Sherloc (09022015). Collection method: clinical testing. Allele origin: germline.
Comment: This sequence change creates a premature translational stop signal (p.Arg2465Hisfs*3) in the DSP gene. While this is not anticipated to result in nonsense mediated decay, it is expected to disrupt the last 407 amino acid(s) of the DSP protein. This variant is not present in population databases (gnomAD no frequency). This variant has not been reported in the literature in individuals affected with DSP-related conditions. ClinVar contains an entry for this variant (Variation ID: 1454824). This variant disrupts a region of the DSP protein in which other variant(s) (p.Glu2728Glyfs*11) have been determined to be pathogenic (internal data). This suggests that this is a clinically significant region of the protein, and that variants that disrupt it are likely to be disease-causing. For these reasons, this variant has been classified as Pathogenic.

NM_004415.4(DSP):c.7393_7400del (p.Arg2465fs)

Gene: DSP (desmoplakin; plus strand). Cytogenetic location: 6p24.3.
Variant type: Deletion.
Coding change: c.7393_7400del on transcript NM_004415.4 (MANE Select); coding-DNA positions 7393 to 7400, 8 bases deleted (AGAGTGGT; older notation c.7393_7400delAGAGTGGT).
Protein change: p.Arg2465fs; shifts the reading frame from arginine 2465.
Molecular consequence: frameshift variant.
Genome position (GRCh38, 1-based): chr6:7,584,655-7,584,662, AGAGTGGT deleted; deleting any 8 consecutive bases within chr6:7,584,653-7,584,662 gives the same sequence; the c. name uses the placement nearest the transcript's 3' end. VCF-style (leftmost placement, unchanged base first): chr6-7584652-CGTAGAGTG-C. GRCh37 (hg19) VCF-style: chr6-7584885-CGTAGAGTG-C.
Other names: c.5596_5603del, p.Arg1866fs (NM_001008844.3); c.6064_6071del, p.Arg2022fs (NM_001319034.2); short protein forms R1866fs, R2022fs, R2465fs.
Identifiers: ClinVar variation 1454824 (VCV001454824.6), dbSNP rs2113702255, ClinGen allele CA2573140821.
Genomic context (GRCh38, chr6:7,584,652, plus strand): 5'-CTGCCTCTGAAAGAAAAGAAGAAACAGGTGCAGACATCACAAAAGAATACCCTCAGGAAG[CGTAGAGTG>C]GTCATAGTTGACCCAGAAACCAATAAAGAAATGTCTGTTCAGGAGGCCTACAAGAAGGGC-3'